The following is an entry in ClinVar:

NM_007294.4(BRCA1):c.4358-1660C>T

Gene: BRCA1 (BRCA1 DNA repair associated; minus strand). Cytogenetic location: 17q21.31.
Variant type: single nucleotide variant.
Coding change: c.4358-1660C>T on transcript NM_007294.4 (MANE Select); 1660 bases into the intron before coding-DNA position 4358, C replaced by T.
Molecular consequence: intron variant.
Genome position (GRCh38, 1-based): chr17:43,078,274, G>A on the plus strand (C>T on the coding strand, the complement: BRCA1 is on the minus strand). VCF-style: chr17-43078274-G-A. GRCh37 (hg19) VCF-style: chr17-41230291-G-A.
Other names: c.4358-1663C>T (NM_001407622.1, NM_001407858.1, NM_001407616.1 and 7 more transcripts); c.4358-1660C>T (NM_001407602.1, NM_001407597.1, NM_001407605.1 and 8 more transcripts); c.4423+1060C>T (NM_001407585.1, NM_007300.4, NM_001407581.1 and 2 more transcripts); c.4091-1663C>T (NM_001407936.1, NM_001407935.1); c.4211-1660C>T (NM_001407849.1, NM_001407847.1, NM_001407848.1); c.4214-1663C>T (NM_001407845.1, NM_001407852.1, NM_001407843.1 and 8 more transcripts); c.4214-1660C>T (NM_001407744.1, NM_001407750.1, NM_001407751.1 and 11 more transcripts); c.785-1660C>T (NM_001408496.1, NM_001408499.1, NM_001408498.1 and 3 more transcripts); and 98 more.
Identifiers: ClinVar variation 3349905 (VCV003349905.1).

ClinVar aggregate classification (germline): Likely benign (0 of 4 stars; one submission).

Conditions:
BRCA1-related disorder. Also called: BRCA1-related condition.

Submission:

PreventionGenetics, part of Exact Sciences
Classification: Likely benign for BRCA1-related condition. Last evaluated: 2024-03-25. Review status: no assertion criteria provided. Collection method: clinical testing. Allele origin: germline.
Comment: This variant is classified as likely benign based on ACMG/AMP sequence variant interpretation guidelines (Richards et al. 2015 PMID: 25741868, with internal and published modifications).